The following is an entry in ClinVar:

ClinVar aggregate classification (germline): Uncertain significance. Review status: criteria provided, multiple submitters, no conflicts (2 of 4 stars). 2 submissions from 2 submitters: Uncertain significance (2). Last evaluated 2023-11-30.

Conditions:
Adams-Oliver syndrome 5 (AOS5). Identifiers: Orphanet 974, MedGen C4014970, MONDO:0014459, OMIM 616028.
Familial thoracic aortic aneurysm and aortic dissection (TAAD). Also called: Thoracic aortic aneurysms and dissections. Identifiers: Orphanet 91387, MedGen C4707243, MONDO:0019625.

Submissions (2):

Ambry Genetics
Classification: Uncertain significance for Familial thoracic aortic aneurysm and aortic dissection. Last evaluated: 2023-11-30. Review status: criteria provided, single submitter. Criteria: Ambry Variant Classification Scheme 2023. Collection method: clinical testing. Allele origin: germline.
Comment: The p.C1871F variant (also known as c.5612G>T), located in coding exon 30 of the NOTCH1 gene, results from a G to T substitution at nucleotide position 5612. The cysteine at codon 1871 is replaced by phenylalanine, an amino acid with highly dissimilar properties. This amino acid position is conserved. In addition, the in silico prediction for this alteration is inconclusive. Since supporting evidence is limited at this time, the clinical significance of this alteration remains unclear.

Labcorp Genetics (formerly Invitae), Labcorp
Classification: Uncertain significance for Adams-Oliver syndrome 5. Last evaluated: 2022-05-25. Review status: criteria provided, single submitter. Criteria: Invitae Variant Classification Sherloc (09022015). Collection method: clinical testing. Allele origin: germline.
Comment: Advanced modeling of protein sequence and biophysical properties (such as structural, functional, and spatial information, amino acid conservation, physicochemical variation, residue mobility, and thermodynamic stability) performed at Invitae indicates that this missense variant is not expected to disrupt NOTCH1 protein function. In summary, the available evidence is currently insufficient to determine the role of this variant in disease. Therefore, it has been classified as a Variant of Uncertain Significance. This variant has not been reported in the literature in individuals affected with NOTCH1-related conditions. This variant is not present in population databases (gnomAD no frequency). This sequence change replaces cysteine, which is neutral and slightly polar, with phenylalanine, which is neutral and non-polar, at codon 1871 of the NOTCH1 protein (p.Cys1871Phe).

NM_017617.5(NOTCH1):c.5612G>T (p.Cys1871Phe)

Gene: NOTCH1 (notch receptor 1; minus strand). Cytogenetic location: 9q34.3.
Variant type: single nucleotide variant.
Coding change: c.5612G>T on transcript NM_017617.5 (MANE Select); coding-DNA position 5612, G replaced by T.
Protein change: p.Cys1871Phe; replaces cysteine 1871 with phenylalanine.
Molecular consequence: missense variant.
Genome position (GRCh38, 1-based): chr9:136,501,774, C>A on the plus strand (G>T on the coding strand, the complement: NOTCH1 is on the minus strand). VCF-style: chr9-136501774-C-A. GRCh37 (hg19) VCF-style: chr9-139396226-C-A.
Other names: c.5612G>T (NM_017617.3); short protein forms C1871F.
Identifiers: ClinVar variation 2182606 (VCV002182606.5), dbSNP rs2133328579, ClinGen allele CA375638940.